The following is an entry in ClinVar:

NM_001271938.2(MEGF8):c.1496C>T (p.Pro499Leu)

Gene: MEGF8 (multiple EGF like domains 8; plus strand). Cytogenetic location: 19q13.2.
Variant type: single nucleotide variant.
Coding change: c.1496C>T on transcript NM_001271938.2 (MANE Select); coding-DNA position 1496, C replaced by T.
Protein change: p.Pro499Leu; replaces proline 499 with leucine.
Molecular consequence: missense variant.
Genome position (GRCh38, 1-based): chr19:42,337,189, C>T. VCF-style: chr19-42337189-C-T. GRCh37 (hg19) VCF-style: chr19-42841341-C-T.
Other names: c.1496C>T, p.Pro499Leu (NM_001410.3); short protein forms P499L.
Identifiers: ClinVar variation 935673 (VCV000935673.3), dbSNP rs993849381, ClinGen allele CA308623146.
Genomic context (GRCh38, chr19:42,337,189, plus strand): 5'-ATGGCATCTTCTTCTACCACCTTGGCTGCCATCAATGGGTGTCAGGAGCTGAGCTTGCCC[C>T]GCCAGGAACCCCTGAGGGTGAGTGGTCCCTGTTCTTCCCTAGGGGCTCCTGAGGGTCCCA-3'
Protein context (NP_001258867.1, residues 489-509): HQWVSGAELA[Pro499Leu]PGTPEGRAAP

ClinVar aggregate classification (germline): Uncertain significance (1 of 4 stars; one submission).

Conditions:
MEGF8-related Carpenter syndrome. Also called: Carpenter syndrome 2. Identifiers: Orphanet 65759, MedGen C3554247, MONDO:0013998, OMIM 614976.

Allele frequency attached by ClinVar (database versions not stated): gnomAD exomes below 0.00001 and 0.00001; gnomAD 0.00002; TOPMed 0.00003.
gnomAD v4.1: 7 of 1,613,672 alleles (0.00043%); highest among the groups gnomAD compares: Admixed American, 0.0067%; no homozygotes.

Submission:

Labcorp Genetics (formerly Invitae), Labcorp
Classification: Uncertain significance for MEGF8-related Carpenter syndrome. Last evaluated: 2021-11-09. Review status: criteria provided, single submitter. Criteria: Invitae Variant Classification Sherloc (09022015). Collection method: clinical testing. Allele origin: germline.
Comment: This sequence change replaces proline, which is neutral and non-polar, with leucine, which is neutral and non-polar, at codon 499 of the MEGF8 protein (p.Pro499Leu). This variant is present in population databases (no rsID available, gnomAD 0.006%). This variant has not been reported in the literature in individuals affected with MEGF8-related conditions. ClinVar contains an entry for this variant (Variation ID: 935673). Algorithms developed to predict the effect of missense changes on protein structure and function are either unavailable or do not agree on the potential impact of this missense change (SIFT: "Deleterious"; PolyPhen-2: "Possibly Damaging"; Align-GVGD: "Class C0"). In summary, the available evidence is currently insufficient to determine the role of this variant in disease. Therefore, it has been classified as a Variant of Uncertain Significance.